The following is an entry in ClinVar:

NM_000138.5(FBN1):c.5699G>A (p.Cys1900Tyr)

Gene: FBN1 (fibrillin 1; minus strand). Cytogenetic location: 15q21.1.
Variant type: single nucleotide variant.
Coding change: c.5699G>A on transcript NM_000138.5 (MANE Select); coding-DNA position 5699, G replaced by A.
Protein change: p.Cys1900Tyr; replaces cysteine 1900 with tyrosine.
Molecular consequence: missense variant.
Genome position (GRCh38, 1-based): chr15:48,446,795, C>T on the plus strand (G>A on the coding strand, the complement: FBN1 is on the minus strand). VCF-style: chr15-48446795-C-T. GRCh37 (hg19) VCF-style: chr15-48738992-C-T.
Other names: p.C1900Y:TGT>TAT; short protein forms C1900Y.
Identifiers: ClinVar variation 200066 (VCV000200066.30), dbSNP rs794728237, ClinGen allele CA015955.
Genomic context (GRCh38, chr15:48,446,795, plus strand): 5'-AAACCATGATTGCAGCGGCAGTTGAAGGAACCAATTGTGTTCCGGCAAGTTCCATTCCCA[C>T]AGGCATCTCTTTCACATTCATTTATGTCTAGTAGGAAGAAAGGCCATAAAGAAACATAAT-3'
Protein context (NP_000129.3, residues 1890-1910): LDINECERDA[Cys1900Tyr]GNGTCRNTIG

ClinVar aggregate classification (germline): Pathogenic. Review status: criteria provided, multiple submitters, no conflicts (2 of 4 stars). 4 submissions from 4 submitters: Pathogenic (3). 1 of the submissions does not count toward it. Last evaluated 2026-07-16.

Conditions:
Marfan syndrome (MFS). Also called: Marfan syndrome, classic; FBN1-Related Marfan Syndrome; Marfan syndrome type 1; Marfan's syndrome; MARFAN SYNDROME, TYPE I. Identifiers: Orphanet 284963, Orphanet 558, MedGen C0024796, MONDO:0007947, OMIM 154700.
Familial thoracic aortic aneurysm and aortic dissection (TAAD). Also called: Thoracic aortic aneurysms and dissections. Identifiers: Orphanet 91387, MedGen C4707243, MONDO:0019625.

Submissions (4):

GeneDx
Classification: Pathogenic. Last evaluated: 2026-07-16. Review status: criteria provided, single submitter. Criteria: GeneDx Variant Classification Process June 2021. Collection method: clinical testing. Allele origin: germline.
Comment: Not observed at significant frequency in large population cohorts (gnomAD); In silico analysis supports that this missense variant has a deleterious effect on protein structure/function; Affects a cysteine residue within an EGF-like domain of the FBN1 gene, which may affect disulfide bonding and is predicted to alter the structure and function of the protein; cysteine substitutions in the EGF-like domains represent the majority of pathogenic missense changes associated with FBN1-related disorders (PMID: 12938084); This variant is associated with the following publications: (PMID: 21542060, 16222657, 35058154, 18435798, 12938084, 42073082)

Labcorp Genetics (formerly Invitae), Labcorp
Classification: Pathogenic for Marfan syndrome; Familial thoracic aortic aneurysm and aortic dissection. Last evaluated: 2024-02-23. Review status: criteria provided, single submitter. Criteria: Invitae Variant Classification Sherloc (09022015). Collection method: clinical testing. Allele origin: germline.
Comment: This sequence change replaces cysteine, which is neutral and slightly polar, with tyrosine, which is neutral and polar, at codon 1900 of the FBN1 protein (p.Cys1900Tyr). This variant is not present in population databases (gnomAD no frequency). This missense change has been observed in individual(s) with Marfan syndrome (PMID: 16222657, 18435798, 21542060). In at least one individual the variant was observed to be de novo. ClinVar contains an entry for this variant (Variation ID: 200066). Advanced modeling of protein sequence and biophysical properties (such as structural, functional, and spatial information, amino acid conservation, physicochemical variation, residue mobility, and thermodynamic stability) performed at Invitae indicates that this missense variant is expected to disrupt FBN1 protein function with a positive predictive value of 95%. This variant affects a cysteine residue in the EGF-like, TGFBP or hybrid motif domains of FBN1. Cysteine residues are believed to be involved in intramolecular disulfide bridges and have been shown to be important for FBN1 protein structure (PMID: 16905551, 19349279). In addition, missense substitutions affecting cysteine residues within these domains are significantly overrepresented among patients with Marfan syndrome (PMID: 16571647, 17701892). This variant disrupts the p.Cys1900 amino acid residue in FBN1. Other variant(s) that disrupt this residue have been observed in individuals with FBN1-related conditions (PMID: 19293843, 19839986, 22772377), which suggests that this may be a clinically significant amino acid residue. For these reasons, this variant has been classified as Pathogenic.

Centre of Medical Genetics, University of Antwerp
Classification: Pathogenic for Marfan syndrome. Last evaluated: 2021-03-01. Review status: criteria provided, single submitter. Criteria: Submitter's publication. Collection method: research. Allele origin: unknown. Affected: yes.
Comment: PM2, PVS2, PP4

Center for Medical Genetics Ghent, University of Ghent
Classification: Pathogenic for Marfan syndrome. Last evaluated: 2017-11-07. Review status: no assertion criteria provided. Collection method: clinical testing. Allele origin: germline. Affected: yes. Not counted in ClinVar's aggregate classification.

Literature cited by the submitters: PubMed 16222657 (cited by Labcorp Genetics (formerly Invitae), Labcorp); PubMed 18435798 (cited by Labcorp Genetics (formerly Invitae), Labcorp); PubMed 21542060 (cited by Labcorp Genetics (formerly Invitae), Labcorp); PubMed 16905551 (cited by Labcorp Genetics (formerly Invitae), Labcorp); PubMed 19349279 (cited by Labcorp Genetics (formerly Invitae), Labcorp); PubMed 16571647 (cited by Labcorp Genetics (formerly Invitae), Labcorp); PubMed 17701892 (cited by Labcorp Genetics (formerly Invitae), Labcorp); PubMed 19293843 (cited by Labcorp Genetics (formerly Invitae), Labcorp); PubMed 19839986 (cited by Labcorp Genetics (formerly Invitae), Labcorp); PubMed 22772377 (cited by Labcorp Genetics (formerly Invitae), Labcorp).